The following is an entry in ClinVar:

ClinVar aggregate classification (germline): Uncertain significance (1 of 4 stars; one submission).

Conditions:
Cardiovascular phenotype. Identifiers: MedGen CN230736.

gnomAD v4.1: 3 of 1,571,492 alleles (0.00019%); highest among the groups gnomAD compares: Non-Finnish European, 0.00026%; no homozygotes.

Submission:

Ambry Genetics
Classification: Uncertain significance for Cardiovascular phenotype. Last evaluated: 2026-08-31. Review status: criteria provided, single submitter. Criteria: Ambry Variant Classification Scheme 2023. Collection method: clinical testing. Allele origin: germline.
Comment: The p.H350R variant (also known as c.1049A>G), located in coding exon 8 of the GPD1L gene, results from an A to G substitution at nucleotide position 1049. The histidine at codon 350 is replaced by arginine, an amino acid with highly similar properties. This amino acid position is conserved. In addition, the in silico prediction for this alteration is inconclusive. Based on the available evidence, the clinical significance of this variant remains unclear.

NM_015141.4(GPD1L):c.1049A>G (p.His350Arg)

Gene: GPD1L (glycerol-3-phosphate dehydrogenase 1 like; plus strand). Cytogenetic location: 3p22.3.
Variant type: single nucleotide variant.
Coding change: c.1049A>G on transcript NM_015141.4 (MANE Select); coding-DNA position 1049, A replaced by G.
Protein change: p.His350Arg; replaces histidine 350 with arginine.
Molecular consequence: missense variant.
Genome position (GRCh38, 1-based): chr3:32,165,903, A>G. VCF-style: chr3-32165903-A-G. GRCh37 (hg19) VCF-style: chr3-32207395-A-G.
Other names: short protein forms H350R.
Identifiers: ClinVar variation 5022490 (VCV005022490.1).
Genomic context (GRCh38, chr3:32,165,903, plus strand): 5'-TCTGCTACGAAAGCAGACCAGTTCAAGAGATGTTGTCTTGTCTTCAGAGCCATCCAGAGC[A>G]TACATAAAGTGAATCATGCAACGTGTTGGGGGAAGTTCTGCCTTTCTGATCAATCTTTTG-3'
Protein context (NP_055956.1, residues 340-351): MLSCLQSHPE[His350Arg]T